The following is an entry in ClinVar:

ClinVar aggregate classification (germline): Likely benign (1 of 4 stars; one submission).

Allele frequency attached by ClinVar (database versions not stated): ExAC 0.00001; gnomAD exomes below 0.00001; TOPMed 0.00001.
gnomAD v4.1: 39 of 1,614,172 alleles (0.0024%); highest among the groups gnomAD compares: Non-Finnish European, 0.0032%; no homozygotes.

Submission:

GeneDx
Classification: Likely benign. Last evaluated: 2016-11-28. Review status: criteria provided, single submitter. Criteria: GeneDx Variant Classification (06012015). Collection method: clinical testing. Allele origin: germline. Affected: yes.
Comment: This variant is considered likely benign or benign based on one or more of the following criteria: it is a conservative change, it occurs at a poorly conserved position in the protein, it is predicted to be benign by multiple in silico algorithms, and/or has population frequency not consistent with disease.

NM_004519.4(KCNQ3):c.2556T>G (p.Pro852=)

Gene: KCNQ3 (potassium voltage-gated channel subfamily Q member 3; minus strand). Cytogenetic location: 8q24.22.
Variant type: single nucleotide variant.
Coding change: c.2556T>G on transcript NM_004519.4 (MANE Select); coding-DNA position 2556, T replaced by G.
Protein change: p.Pro852=; no amino-acid change (proline 852 retained).
Molecular consequence: synonymous variant.
Genome position (GRCh38, 1-based): chr8:132,129,325, A>C on the plus strand (T>G on the coding strand, the complement: KCNQ3 is on the minus strand). VCF-style: chr8-132129325-A-C. GRCh37 (hg19) VCF-style: chr8-133141572-A-C.
Other names: c.2196T>G, p.Pro732= (NM_001204824.2).
Identifiers: ClinVar variation 391168 (VCV000391168.1), dbSNP rs763432119, ClinGen allele CA4880414.